The following is an entry in ClinVar:

NM_005859.5(PURA):c.836AGA[1] (p.Lys280del)

Gene: PURA (purine rich element binding protein A; plus strand). Cytogenetic location: 5q31.3.
Variant type: Microsatellite.
Coding change: c.836AGA[1] on transcript NM_005859.5 (MANE Select); one copy of the 3-base unit AGA starting at c.836; the reference has two copies in a row; one copy, 3 bases deleted; also written c.839_841del.
Protein change: p.Lys280del; deletes lysine 280.
Molecular consequence: inframe deletion. On other transcripts: inframe indel (2).
Genome position (GRCh38, 1-based): chr5:140,115,020-140,115,022, AGA deleted; deleting any 3 consecutive bases within chr5:140,115,015-140,115,022 gives the same sequence; the position shown is the placement nearest the transcript's 3' end. VCF-style (leftmost placement, unchanged base first): chr5-140115014-TGAA-T. GRCh37 (hg19) VCF-style: chr5-139494599-TGAA-T.
Other names: c.839_841del (NM_005859.4); c.836_838AGA[1], p.Lys280del (NM_005859.4); short protein forms K280del.
Identifiers: ClinVar variation 4685115 (VCV004685115.1).

ClinVar aggregate classification (germline): Likely pathogenic (1 of 4 stars; one submission).

Submission:

GeneDx
Classification: Likely pathogenic. Last evaluated: 2025-07-07. Review status: criteria provided, single submitter. Criteria: GeneDx Variant Classification Process June 2021. Collection method: clinical testing. Allele origin: germline. Affected: yes.
Comment: In-frame deletion of 1 amino acid(s) in a non-repeat region; In silico analysis supports a deleterious effect on protein structure/function; Has not been previously published as pathogenic or benign to our knowledge; Not observed at significant frequency in large population cohorts (gnomAD)